The following is an entry in ClinVar:

NM_001368397.1(FRMPD4):c.916G>A (p.Glu306Lys)

Gene: FRMPD4 (FERM and PDZ domain containing 4; plus strand). Cytogenetic location: Xp22.2.
Variant type: single nucleotide variant.
Coding change: c.916G>A on transcript NM_001368397.1 (MANE Select); coding-DNA position 916, G replaced by A.
Protein change: p.Glu306Lys; replaces glutamic acid 306 with lysine.
Molecular consequence: missense variant.
Genome position (GRCh38, 1-based): chrX:12,694,437, G>A. VCF-style: chrX-12694437-G-A. GRCh37 (hg19) VCF-style: chrX-12712556-G-A.
Other names: c.892G>A, p.Glu298Lys (NM_001368402.3, NM_001368401.1); c.916G>A, p.Glu306Lys (NM_014728.3); c.1027G>A, p.Glu343Lys (NM_001368395.3, NM_001368398.3); c.922G>A, p.Glu308Lys (NM_001368396.3); c.907G>A, p.Glu303Lys (NM_001368399.3); c.796G>A, p.Glu266Lys (NM_001368400.3); short protein forms E266K, E298K, E303K, E306K, E308K, E343K.
Identifiers: ClinVar variation 1695282 (VCV001695282.32), dbSNP rs2147124878, ClinGen allele CA412008231.

ClinVar aggregate classification (germline): Uncertain significance. Review status: criteria provided, multiple submitters, no conflicts (2 of 4 stars). 2 submissions from 2 submitters: Uncertain significance (2). Last evaluated 2022-04-01.

Submissions (2):

CeGaT Center for Human Genetics Tuebingen
Classification: Uncertain significance. Last evaluated: 2022-04-01. Review status: criteria provided, single submitter. Criteria: CeGaT Center For Human Genetics Tuebingen Variant Classification Criteria Version 2. Collection method: clinical testing. Allele origin: germline. Affected: yes. Observed: 1 variant allele.
Comment: FRMPD4: PM2, PP3

Blueprint Genetics
Classification: Uncertain significance. Last evaluated: 2020-09-30. Review status: criteria provided, single submitter. Criteria: ACMG Guidelines, 2015. Collection method: clinical testing. Allele origin: germline.